The following is an entry in ClinVar:

ClinVar aggregate classification (germline): Pathogenic (1 of 4 stars; one submission).

Conditions:
Jeune thoracic dystrophy. Also called: Short-rib thoracic dysplasia; Jeune syndrome; Infantile thoracic dystrophy; Thoracic pelvic phalangeal dystrophy; Jeune's syndrome; Chondroectodermal dysplasia-like syndrome. Identifiers: Orphanet 474, MedGen C0265275, MONDO:0018770.

Submission:

Labcorp Genetics (formerly Invitae), Labcorp
Classification: Pathogenic for Jeune thoracic dystrophy. Last evaluated: 2024-02-24. Review status: criteria provided, single submitter. Criteria: Invitae Variant Classification Sherloc (09022015). Collection method: clinical testing. Allele origin: germline.
Comment: This sequence change creates a premature translational stop signal (p.Gln1443Argfs*7) in the DYNC2H1 gene. It is expected to result in an absent or disrupted protein product. Loss-of-function variants in DYNC2H1 are known to be pathogenic (PMID: 23339108, 32753734, 33755199). This variant is not present in population databases (gnomAD no frequency). This variant has not been reported in the literature in individuals affected with DYNC2H1-related conditions. ClinVar contains an entry for this variant (Variation ID: 1452722). Algorithms developed to predict the effect of sequence changes on RNA splicing suggest that this variant may disrupt the consensus splice site. For these reasons, this variant has been classified as Pathogenic.

Literature cited by the submitters: PubMed 23339108; PubMed 32753734; PubMed 33755199.

NM_001377.3(DYNC2H1):c.4328del (p.Gln1443fs)

Gene: DYNC2H1 (dynein cytoplasmic 2 heavy chain 1; plus strand). Cytogenetic location: 11q22.3.
Variant type: Deletion.
Coding change: c.4328del on transcript NM_001377.3 (MANE Select); coding-DNA position 4328, one base deleted (A; older notation c.4328delA).
Protein change: p.Gln1443fs; shifts the reading frame from glutamine 1443.
Molecular consequence: frameshift variant.
Genome position (GRCh38, 1-based): chr11:103,158,977, A deleted. VCF-style (leftmost placement, unchanged base first): chr11-103158976-CA-C. GRCh37 (hg19) VCF-style: chr11-103029705-CA-C.
Other names: c.4328del, p.Gln1443fs (NM_001080463.2); short protein forms Q1443fs.
Identifiers: ClinVar variation 1452722 (VCV001452722.6), dbSNP rs2134908680, ClinGen allele CA2573146930.